The following is an entry in ClinVar:

NM_014974.3(DIP2C):c.2017C>T (p.Pro673Ser)

Gene: DIP2C (disco interacting protein 2 homolog C; minus strand). Cytogenetic location: 10p15.3.
Variant type: single nucleotide variant.
Coding change: c.2017C>T on transcript NM_014974.3 (MANE Select); coding-DNA position 2017, C replaced by T.
Protein change: p.Pro673Ser; replaces proline 673 with serine.
Molecular consequence: missense variant.
Genome position (GRCh38, 1-based): chr10:369,608, G>A on the plus strand (C>T on the coding strand, the complement: DIP2C is on the minus strand). VCF-style: chr10-369608-G-A. GRCh37 (hg19) VCF-style: chr10-415548-G-A.
Other names: short protein forms P673S.
Identifiers: ClinVar variation 3902979 (VCV003902979.1).
Genomic context (GRCh38, chr10:369,608, plus strand): 5'-CCGAGTCCACACGAATGACCCCATAGGTCAGTCCATGCATGGAGAGGACACCCCGGCCCG[G>A]GGGCTGGTTACTGTCATCCGTGGGCCTGTAATGACAGTTTTTAACTTGAATATGCAGGAG-3'
Protein context (NP_055789.1, residues 663-683): RRPTDDSNQP[Pro673Ser]GRGVLSMHGL

ClinVar aggregate classification (germline): Uncertain significance (1 of 4 stars; one submission).

gnomAD v4.1: 3 of 1,614,002 alleles (0.00019%); highest among the groups gnomAD compares: South Asian, 0.0022%; no homozygotes.

Submission:

GeneDx
Classification: Uncertain significance. Last evaluated: 2024-12-11. Review status: criteria provided, single submitter. Criteria: GeneDx Variant Classification Process June 2021. Collection method: clinical testing. Allele origin: germline. Affected: yes.
Comment: Not observed at significant frequency in large population cohorts (gnomAD); In silico analysis supports that this missense variant has a deleterious effect on protein structure/function; Has not been previously published as pathogenic or benign to our knowledge